The following is an entry in ClinVar:

NM_006946.4(SPTBN2):c.3885C>T (p.Asp1295=)

Gene: SPTBN2 (spectrin beta, non-erythrocytic 2; minus strand). Cytogenetic location: 11q13.2.
Variant type: single nucleotide variant.
Coding change: c.3885C>T on transcript NM_006946.4 (MANE Select); coding-DNA position 3885, C replaced by T.
Protein change: p.Asp1295=; no amino-acid change (aspartic acid 1295 retained).
Molecular consequence: synonymous variant.
Genome position (GRCh38, 1-based): chr11:66,698,768, G>A on the plus strand (C>T on the coding strand, the complement: SPTBN2 is on the minus strand). VCF-style: chr11-66698768-G-A. GRCh37 (hg19) VCF-style: chr11-66466239-G-A.
Identifiers: ClinVar variation 739178 (VCV000739178.34), dbSNP rs146526805, ClinGen allele CA6128710.

ClinVar aggregate classification (germline): Benign/Likely benign. Review status: criteria provided, multiple submitters, no conflicts (2 of 4 stars). 4 submissions from 4 submitters: Benign (2); Likely benign (2). Last evaluated 2025-06-20.

Allele frequency attached by ClinVar (database versions not stated): TOPMed 0.00012; gnomAD exomes 0.00028 and 0.00063; 1000 Genomes Project 30x 0.00031; ESP Exome Variant Server 0.00038; 1000 Genomes Project 0.00040; gnomAD 0.00050 and 0.00053; ExAC 0.00060.
gnomAD v4.1: 509 of 1,613,860 alleles (0.032%); highest among the groups gnomAD compares: South Asian, 0.03%; 2 homozygotes.

Submissions (4):

Labcorp Genetics (formerly Invitae), Labcorp
Classification: Benign. Last evaluated: 2025-06-20. Review status: criteria provided, single submitter. Criteria: Invitae Variant Classification Sherloc (09022015). Collection method: clinical testing. Allele origin: germline.

Blueprint Genetics
Classification: Likely benign. Last evaluated: 2024-09-06. Review status: criteria provided, single submitter. Criteria: ACMG Guidelines, 2015. Collection method: clinical testing. Allele origin: germline.

CeGaT Center for Human Genetics Tuebingen
Classification: Likely benign. Last evaluated: 2022-11-01. Review status: criteria provided, single submitter. Criteria: CeGaT Center For Human Genetics Tuebingen Variant Classification Criteria Version 2. Collection method: clinical testing. Allele origin: germline. Affected: yes. Observed: 1 variant allele.
Comment: SPTBN2: BP4, BP7

Athena Diagnostics
Classification: Benign. Last evaluated: 2020-02-12. Review status: criteria provided, single submitter. Criteria: Athena Diagnostics Criteria. Collection method: clinical testing. Allele origin: unknown.